The following is an entry in ClinVar:

NM_001098671.2(RASGRP2):c.279C>T (p.Asn93=)

Gene: RASGRP2 (RAS guanyl releasing protein 2; minus strand). Cytogenetic location: 11q13.1.
Variant type: single nucleotide variant.
Coding change: c.279C>T on transcript NM_001098671.2 (MANE Select); coding-DNA position 279, C replaced by T.
Protein change: p.Asn93=; no amino-acid change (asparagine 93 retained).
Molecular consequence: synonymous variant. On other transcripts: 5 prime UTR variant (1).
Genome position (GRCh38, 1-based): chr11:64,741,040, G>A on the plus strand (C>T on the coding strand, the complement: RASGRP2 is on the minus strand). VCF-style: chr11-64741040-G-A. GRCh37 (hg19) VCF-style: chr11-64508512-G-A.
Other names: c.279C>T, p.Asn93= (NM_001098670.2, NM_153819.2); c.-157C>T (NM_001318398.2).
Identifiers: ClinVar variation 750298 (VCV000750298.11), dbSNP rs370769462, ClinGen allele CA6079314.
Genomic context (GRCh38, chr11:64,741,040, plus strand): 5'-TCGGTTCCCTTCTTGGTCTAGCAGAGCCTTCAGCTCCTTGATCTGCTCAGCCAACTCCGG[G>A]TTCAAGTCAAACTCCGCTGGGAAGGCGGAGATCCAGTACCTGGAGGAGCGGGGAGTCACC-3'
Protein context (NP_001092141.1, residues 83-103): ISAFPAEFDL[Asn93=]PELAEQIKEL

ClinVar aggregate classification (germline): Likely benign. Review status: criteria provided, single submitter (1 of 4 stars). 2 submissions from 2 submitters: Likely benign (1). 1 of the submissions does not count toward it. Last evaluated 2025-10-27.

Conditions:
RASGRP2-related disorder. Also called: RASGRP2-related condition.

Allele frequency attached by ClinVar (database versions not stated): gnomAD exomes 0.00005; ESP Exome Variant Server 0.00015; TOPMed 0.00015; gnomAD 0.00019; 1000 Genomes Project 30x 0.00078; 1000 Genomes Project 0.00080.
gnomAD v4.1: 151 of 1,613,720 alleles (0.0094%); highest among the groups gnomAD compares: East Asian, 0.1%; no homozygotes.

Submissions (2):

Labcorp Genetics (formerly Invitae), Labcorp
Classification: Likely benign. Last evaluated: 2025-10-27. Review status: criteria provided, single submitter. Criteria: Invitae Variant Classification Sherloc (09022015). Collection method: clinical testing. Allele origin: germline.

PreventionGenetics, part of Exact Sciences
Classification: Likely benign for RASGRP2-related condition. Last evaluated: 2020-02-26. Review status: no assertion criteria provided. Collection method: clinical testing. Allele origin: germline. Not counted in ClinVar's aggregate classification.
Comment: This variant is classified as likely benign based on ACMG/AMP sequence variant interpretation guidelines (Richards et al. 2015 PMID: 25741868, with internal and published modifications).